The following is an entry in ClinVar:

ClinVar aggregate classification (germline): Uncertain significance (1 of 4 stars; one submission).

Allele frequency attached by ClinVar (database versions not stated): gnomAD exomes below 0.00001.
gnomAD v4.1: 2 of 1,614,130 alleles (0.00012%); highest among the groups gnomAD compares: South Asian, 0.0011%; no homozygotes.

Submission:

Labcorp Genetics (formerly Invitae), Labcorp
Classification: Uncertain significance. Last evaluated: 2024-04-15. Review status: criteria provided, single submitter. Criteria: Invitae Variant Classification Sherloc (09022015). Collection method: clinical testing. Allele origin: germline.
Comment: This sequence change replaces methionine, which is neutral and non-polar, with valine, which is neutral and non-polar, at codon 516 of the MCM5 protein (p.Met516Val). This variant is present in population databases (no rsID available, gnomAD 0.003%). This variant has not been reported in the literature in individuals affected with MCM5-related conditions. ClinVar contains an entry for this variant (Variation ID: 1468290). Advanced modeling of protein sequence and biophysical properties (such as structural, functional, and spatial information, amino acid conservation, physicochemical variation, residue mobility, and thermodynamic stability) performed at Invitae indicates that this missense variant is not expected to disrupt MCM5 protein function with a negative predictive value of 80%. In summary, the available evidence is currently insufficient to determine the role of this variant in disease. Therefore, it has been classified as a Variant of Uncertain Significance.

NM_006739.4(MCM5):c.1546A>G (p.Met516Val)

Gene: MCM5 (minichromosome maintenance complex component 5; plus strand). Cytogenetic location: 22q12.3.
Variant type: single nucleotide variant.
Coding change: c.1546A>G on transcript NM_006739.4 (MANE Select); coding-DNA position 1546, A replaced by G.
Protein change: p.Met516Val; replaces methionine 516 with valine.
Molecular consequence: missense variant.
Genome position (GRCh38, 1-based): chr22:35,416,770, A>G. VCF-style: chr22-35416770-A-G. GRCh37 (hg19) VCF-style: chr22-35812763-A-G.
Other names: short protein forms M516V.
Identifiers: ClinVar variation 1468290 (VCV001468290.8), dbSNP rs1287037029, ClinGen allele CA411348171.